The following is an entry in ClinVar:

ClinVar aggregate classification (germline): Uncertain significance (1 of 4 stars; one submission).

Allele frequency attached by ClinVar (database versions not stated): TOPMed below 0.00001; gnomAD exomes 0.00001; gnomAD 0.00003.
gnomAD v4.1: 3 of 1,613,904 alleles (0.00019%); highest among the groups gnomAD compares: Non-Finnish European, 0.00025%; no homozygotes.

Submission:

CeGaT Center for Human Genetics Tuebingen
Classification: Uncertain significance. Last evaluated: 2026-04-01. Review status: criteria provided, single submitter. Criteria: CeGaT Center For Human Genetics Tuebingen Variant Classification Criteria Version 2. Collection method: clinical testing. Allele origin: germline. Affected: yes. Observed: 3 variant alleles.
Comment: ACADM: PM2, PP3

NM_000016.6(ACADM):c.1186A>G (p.Ile396Val)

Gene: ACADM (acyl-CoA dehydrogenase medium chain; plus strand). Cytogenetic location: 1p31.1.
Variant type: single nucleotide variant.
Coding change: c.1186A>G on transcript NM_000016.6 (MANE Select); coding-DNA position 1186, A replaced by G.
Protein change: p.Ile396Val; replaces isoleucine 396 with valine.
Molecular consequence: missense variant.
Genome position (GRCh38, 1-based): chr1:75,761,362, A>G. VCF-style: chr1-75761362-A-G. GRCh37 (hg19) VCF-style: chr1-76227047-A-G.
Other names: c.1198A>G, p.Ile400Val (NM_001127328.3); c.1078A>G, p.Ile360Val (NM_001286042.2); c.1285A>G, p.Ile429Val (NM_001286043.2); c.619A>G, p.Ile207Val (NM_001286044.2); short protein forms I396V, I207V, I360V, I400V, I429V.
Identifiers: ClinVar variation 623689 (VCV000623689.43), dbSNP rs1171321888, ClinGen allele CA340818351.